The following is an entry in ClinVar:

NM_003632.3(CNTNAP1):c.365C>G (p.Thr122Ser)

Gene: CNTNAP1 (contactin associated protein 1; plus strand). Cytogenetic location: 17q21.2.
Variant type: single nucleotide variant.
Coding change: c.365C>G on transcript NM_003632.3 (MANE Select); coding-DNA position 365, C replaced by G.
Protein change: p.Thr122Ser; replaces threonine 122 with serine.
Molecular consequence: missense variant.
Genome position (GRCh38, 1-based): chr17:42,684,992, C>G. VCF-style: chr17-42684992-C-G. GRCh37 (hg19) VCF-style: chr17-40837010-C-G.
Other names: short protein forms T122S.
Identifiers: ClinVar variation 3573914 (VCV003573914.1).
Genomic context (GRCh38, chr17:42,684,992, plus strand): 5'-AAAATAAAAAAAAGAAGCAGAGGGCAGGACGTGGTTACTACTCTCCTCCACCCCCGCAGA[C>G]CTTCTTTGGTAACGTGAACGAGTCGGCGGTGGTGCGCCATGACCTGCACTTCCACTTCAC-3'
Protein context (NP_003623.1, residues 112-132): TPFYQRGHNS[Thr122Ser]FFGNVNESAV

ClinVar aggregate classification (germline): Uncertain significance (1 of 4 stars; one submission).

Submission:

GeneDx
Classification: Uncertain significance. Last evaluated: 2024-07-19. Review status: criteria provided, single submitter. Criteria: GeneDx Variant Classification Process June 2021. Collection method: clinical testing. Allele origin: germline. Affected: yes.
Comment: Not observed at significant frequency in large population cohorts (gnomAD); In silico analysis indicates that this missense variant does not alter protein structure/function; Has not been previously published as pathogenic or benign to our knowledge